The following is an entry in ClinVar:

ClinVar aggregate classification (germline): Likely benign. Review status: criteria provided, multiple submitters, no conflicts (2 of 4 stars). 2 submissions from 2 submitters: Likely benign (2). Last evaluated 2025-08-01.

Allele frequency attached by ClinVar (database versions not stated): gnomAD 0.00001.
gnomAD v4.1: 8 of 1,613,016 alleles (0.0005%); highest among the groups gnomAD compares: Non-Finnish European, 0.00059%; no homozygotes.

Submissions (2):

CeGaT Center for Human Genetics Tuebingen
Classification: Likely benign. Last evaluated: 2025-08-01. Review status: criteria provided, single submitter. Criteria: CeGaT Center For Human Genetics Tuebingen Variant Classification Criteria Version 2. Collection method: clinical testing. Allele origin: germline. Affected: yes. Observed: 1 variant allele.
Comment: VPS13A: BP4, BP7

Labcorp Genetics (formerly Invitae), Labcorp
Classification: Likely benign. Last evaluated: 2022-10-07. Review status: criteria provided, single submitter. Criteria: Invitae Variant Classification Sherloc (09022015). Collection method: clinical testing. Allele origin: germline.

NM_033305.3(VPS13A):c.6936C>T (p.Thr2312=)

Gene: VPS13A (vacuolar protein sorting 13 homolog A; plus strand). Cytogenetic location: 9q21.2.
Variant type: single nucleotide variant.
Coding change: c.6936C>T on transcript NM_033305.3 (MANE Select); coding-DNA position 6936, C replaced by T.
Protein change: p.Thr2312=; no amino-acid change (threonine 2312 retained).
Molecular consequence: synonymous variant.
Genome position (GRCh38, 1-based): chr9:77,340,460, C>T. VCF-style: chr9-77340460-C-T. GRCh37 (hg19) VCF-style: chr9-79955376-C-T.
Other names: c.6819C>T, p.Thr2273= (NM_001018037.2); c.6936C>T, p.Thr2312= (NM_001018038.3, NM_015186.4).
Identifiers: ClinVar variation 1135475 (VCV001135475.17), dbSNP rs1413208235, ClinGen allele CA465622526.